The following is an entry in ClinVar:

ClinVar aggregate classification (germline): Conflicting classifications of pathogenicity. Review status: criteria provided, conflicting classifications (1 of 4 stars). 7 submissions from 7 submitters: Uncertain significance (1); Benign (2); Likely benign (4). Last evaluated 2025-11-24.

Conditions:
Inborn genetic diseases. Identifiers: MedGen C0950123, MeSH D030342.
CHD8-related disorder. Also called: CHD8-related condition; CHD8-related disorders.

Allele frequency attached by ClinVar (database versions not stated): gnomAD exomes 0.00008 and 0.00024; ESP Exome Variant Server 0.00044; ExAC 0.00051; TOPMed 0.00091; gnomAD 0.00095 and 0.00096; 1000 Genomes Project 30x 0.00125; 1000 Genomes Project 0.00140.
gnomAD v4.1: 256 of 1,556,394 alleles (0.016%); highest among the groups gnomAD compares: African/African-American, 0.27%; no homozygotes.

Submissions (7):

Labcorp Genetics (formerly Invitae), Labcorp
Classification: Likely benign. Last evaluated: 2025-11-24. Review status: criteria provided, single submitter. Criteria: Invitae Variant Classification Sherloc (09022015). Collection method: clinical testing. Allele origin: germline.

PreventionGenetics, part of Exact Sciences
Classification: Likely benign for CHD8-related condition. Last evaluated: 2025-02-10. Review status: criteria provided, single submitter. Criteria: ACMG Guidelines, 2015. Collection method: clinical testing. Allele origin: germline.
Comment: This variant is classified as likely benign based on ACMG/AMP sequence variant interpretation guidelines (Richards et al. 2015 PMID: 25741868, with internal and published modifications).

Blueprint Genetics
Classification: Likely benign. Last evaluated: 2023-11-03. Review status: criteria provided, single submitter. Criteria: ACMG Guidelines, 2015. Collection method: clinical testing. Allele origin: germline.

CeGaT Center for Human Genetics Tuebingen
Classification: Benign. Last evaluated: 2022-05-01. Review status: criteria provided, single submitter. Criteria: CeGaT Center For Human Genetics Tuebingen Variant Classification Criteria Version 2. Collection method: clinical testing. Allele origin: germline. Affected: yes. Observed: 2 variant alleles.
Comment: CHD8: BS1, BS2

GeneDx
Classification: Benign. Last evaluated: 2019-03-08. Review status: criteria provided, single submitter. Criteria: GeneDx Variant Classification Process June 2021. Collection method: clinical testing. Allele origin: germline. Affected: yes.

Ambry Genetics
Classification: Likely benign for Inborn genetic diseases. Last evaluated: 2017-05-11. Review status: criteria provided, single submitter. Criteria: Ambry Variant Classification Scheme 2023. Collection method: clinical testing. Allele origin: germline.

Eurofins Ntd Llc (ga)
Classification: Uncertain significance. Last evaluated: 2015-12-08. Review status: criteria provided, single submitter. Criteria: EGL Classification Definitions 2015. Collection method: clinical testing. Allele origin: germline. Observed: 1 variant allele, 1 heterozygote.

NM_001170629.2(CHD8):c.341C>T (p.Thr114Met)

Gene: CHD8 (chromodomain helicase DNA binding protein 8; minus strand). Cytogenetic location: 14q11.2.
Variant type: single nucleotide variant.
Coding change: c.341C>T on transcript NM_001170629.2 (MANE Select); coding-DNA position 341, C replaced by T.
Protein change: p.Thr114Met; replaces threonine 114 with methionine.
Molecular consequence: missense variant. On other transcripts: intron variant (1).
Genome position (GRCh38, 1-based): chr14:21,431,303, G>A on the plus strand (C>T on the coding strand, the complement: CHD8 is on the minus strand). VCF-style: chr14-21431303-G-A. GRCh37 (hg19) VCF-style: chr14-21899462-G-A.
Other names: c.6+508C>T (NM_020920.4); short protein forms T114M.
Identifiers: ClinVar variation 284743 (VCV000284743.45), dbSNP rs111250264, ClinGen allele CA7091970.